The following is an entry in ClinVar:

ClinVar aggregate classification (germline): Likely pathogenic (0 of 4 stars; one submission).

Conditions:
Hyperammonemia, type III (NAGSD). Also called: Hyperammonemia due to N-acetylglutamate synthase deficiency. Identifiers: Orphanet 927, MedGen C0268543, MONDO:0009377, OMIM 237310.

Submission:

Caldovic Lab, Children's National Health System
Classification: Likely pathogenic for Hyperammonemia, type III. Last evaluated: 2021-06-16. Review status: no assertion criteria provided. Collection method: research. Allele origin: germline. Inheritance: Autosomal recessive inheritance. Affected: yes. Observed: 1 variant allele, 1 compound heterozygote.
Comment: The c.-3065A>T variant alters conserved bp in the -3kb enhancer of the NAGS gene. The variant resides in the HNF-1 binding site. In silico tool CADD predicted deleterious effect of this variant while MutationTaster2 predicted that this variant is disease causing.. The variant is absent from the gnomAD v2.1.1. control population dataset. Functional testing using reporter gene assays in HepG2 and HuH-7 cells indicated that c.-3065A>T variant can decrease NAGS gene expression. The variant is classified as likely pathogenic.

NC_000017.11:g.44001599A>T

Genes: NAGS (N-acetylglutamate synthase; plus strand), PYY (peptide YY; minus strand). Cytogenetic location: 17q21.31.
Variant type: single nucleotide variant.
Molecular consequence: intron variant (on NM_004160.6).
Genome position: GRCh38 VCF-style: chr17-44001599-A-T. GRCh37 (hg19) VCF-style: chr17-42078967-A-T.
Other names: c.-463+2792T>A (NM_004160.6).
Identifiers: ClinVar variation 1177297 (VCV001177297.4), dbSNP rs2143971140, ClinGen allele CA2499224650.